The following is an entry in ClinVar:

ClinVar aggregate classification (germline): Benign/Likely benign. Review status: criteria provided, multiple submitters, no conflicts (2 of 4 stars). 9 submissions from 8 submitters: Benign (2); Likely benign (5). 2 of the submissions do not count toward it. Last evaluated 2025-12-06.

Conditions:
TINF2-related disorder. Also called: TINF2-related condition.
Dyskeratosis congenita. Identifiers: Orphanet 1775, MedGen C0265965, MONDO:0015780.
Dyskeratosis congenita, autosomal dominant 3. Identifiers: MedGen C3151445, MONDO:0013522, OMIM 613990.
Dyskeratosis congenita, autosomal dominant 1 (DKCA1). Also called: Dyskeratosis congenita Scoggins type. Identifiers: Orphanet 1775, MedGen C4551974, MONDO:0007485, OMIM 127550. Inheritance: Variable.
Revesz syndrome. Also called: EXUDATIVE RETINOPATHY WITH BONE MARROW FAILURE; DYSKERATOSIS CONGENITA, AUTOSOMAL DOMINANT 5. Identifiers: Orphanet 3088, MedGen C1327916, MONDO:0009990, OMIM 268130.

Allele frequency attached by ClinVar (database versions not stated): TOPMed 0.00001; gnomAD exomes 0.00077; ExAC 0.00091; 1000 Genomes Project 30x 0.00172; 1000 Genomes Project 0.00200.
gnomAD v4.1: 690 of 1,613,832 alleles (0.043%); highest among the groups gnomAD compares: South Asian, 0.65%; 11 homozygotes.

Submissions (9):

Labcorp Genetics (formerly Invitae), Labcorp
Classification: Benign for Dyskeratosis congenita. Last evaluated: 2025-12-06. Review status: criteria provided, single submitter. Criteria: Invitae Variant Classification Sherloc (09022015). Collection method: clinical testing. Allele origin: germline.

Center for Genomic Medicine, Rigshospitalet, Copenhagen University Hospital
Classification: Likely benign. Last evaluated: 2025-03-04. Review status: criteria provided, single submitter. Criteria: ACMG Guidelines, 2015. Collection method: clinical testing. Allele origin: germline.

Blueprint Genetics
Classification: Likely benign. Last evaluated: 2024-11-04. Review status: criteria provided, single submitter. Criteria: ACMG Guidelines, 2015. Collection method: clinical testing. Allele origin: germline.

Sema4
Classification: Benign for Dyskeratosis congenita. Last evaluated: 2020-03-26. Review status: criteria provided, single submitter. Criteria: Sema4 Curation Guidelines. Collection method: curation. Allele origin: germline.

Illumina Laboratory Services, Illumina
Classification: Likely benign for Revesz syndrome. Last evaluated: 2017-04-27. Review status: criteria provided, single submitter. Criteria: ICSL Variant Classification Criteria 13 December 2019. Collection method: clinical testing. Allele origin: germline.
Comment: This variant was observed as part of a predisposition screen in an ostensibly healthy population. A literature search was performed for the gene, cDNA change, and amino acid change (where applicable). No publications were found based on this search. Allele frequency data from public databases allowed determination this variant is unlikely to cause disease. Therefore, this variant is classified as likely benign.

Illumina Laboratory Services, Illumina
Classification: Likely benign for Dyskeratosis congenita, autosomal dominant 3. Last evaluated: 2017-04-27. Review status: criteria provided, single submitter. Criteria: ICSL Variant Classification Criteria 13 December 2019. Collection method: clinical testing. Allele origin: germline.
Comment: This variant was observed as part of a predisposition screen in an ostensibly healthy population. A literature search was performed for the gene, cDNA change, and amino acid change (where applicable). Publications were found based on this search. The evidence from the literature, in combination with allele frequency data from public databases where available, was sufficient to determine this variant is unlikely to cause disease. Therefore, this variant is classified as likely benign.

Eurofins Ntd Llc (ga)
Classification: Likely benign. Last evaluated: 2016-03-31. Review status: criteria provided, single submitter. Criteria: EGL Classification Definitions 2015. Collection method: clinical testing. Allele origin: germline. Observed: 1 variant allele, 1 heterozygote.

PreventionGenetics, part of Exact Sciences
Classification: Likely benign for TINF2-related condition. Last evaluated: 2023-01-12. Review status: no assertion criteria provided. Collection method: clinical testing. Allele origin: germline. Not counted in ClinVar's aggregate classification.
Comment: This variant is classified as likely benign based on ACMG/AMP sequence variant interpretation guidelines (Richards et al. 2015 PMID: 25741868, with internal and published modifications).

GeneReviews
No classification provided. Condition: Dyskeratosis congenita, autosomal dominant 1. Review status: no classification provided. Collection method: literature only. Allele origin: unknown. Not counted in ClinVar's aggregate classification.

Literature cited by the submitters: PubMed 18669893 (cited by Illumina Laboratory Services, Illumina); PubMed 21199492 (cited by Illumina Laboratory Services, Illumina); PubMed 20301779 (cited by GeneReviews); NCBI Bookshelf NBK22301 (cited by GeneReviews).

NM_001099274.3(TINF2):c.706C>T (p.Pro236Ser)

Gene: TINF2 (TERF1 interacting nuclear factor 2; minus strand). Cytogenetic location: 14q12.
Variant type: single nucleotide variant.
Coding change: c.706C>T on transcript NM_001099274.3 (MANE Select); coding-DNA position 706, C replaced by T.
Protein change: p.Pro236Ser; replaces proline 236 with serine.
Molecular consequence: missense variant.
Genome position (GRCh38, 1-based): chr14:24,240,774, G>A on the plus strand (C>T on the coding strand, the complement: TINF2 is on the minus strand). VCF-style: chr14-24240774-G-A. GRCh37 (hg19) VCF-style: chr14-24709980-G-A.
Other names: c.601C>T, p.Pro201Ser (NM_001363668.2); c.706C>T, p.Pro236Ser (NM_012461.3); short protein forms P236S, P201S.
Identifiers: ClinVar variation 38915 (VCV000038915.26), dbSNP rs199422321, ClinGen allele CA343170.